The following is an entry in ClinVar:

NM_003801.4(GPAA1):c.1369C>T (p.Pro457Ser)

Gene: GPAA1 (glycosylphosphatidylinositol anchor attachment 1; plus strand). Cytogenetic location: 8q24.3.
Variant type: single nucleotide variant.
Coding change: c.1369C>T on transcript NM_003801.4 (MANE Select); coding-DNA position 1369, C replaced by T.
Protein change: p.Pro457Ser; replaces proline 457 with serine.
Molecular consequence: missense variant.
Genome position (GRCh38, 1-based): chr8:144,085,397, C>T. VCF-style: chr8-144085397-C-T. GRCh37 (hg19) VCF-style: chr8-145140300-C-T.
Other names: short protein forms P457S.
Identifiers: ClinVar variation 1714538 (VCV001714538.5), dbSNP rs1554764214, ClinGen allele CA372504405.
Genomic context (GRCh38, chr8:144,085,397, plus strand): 5'-ATGGGACTGGCCCTCTATGTCCTGCCAGTGCTGGGCCAACACGTTGCCACCCAGCACTTC[C>T]CAGTGGCAGAGGCTGAGGCTGTGGTGCTGACACTGCTGGCGATTTATGCAGCTGGCCTGG-3'
Protein context (NP_003792.1, residues 447-467): LGQHVATQHF[Pro457Ser]VAEAEAVVLT

ClinVar aggregate classification (germline): Uncertain significance (1 of 4 stars; one submission).

Allele frequency attached by ClinVar (database versions not stated): gnomAD exomes below 0.00001; TOPMed below 0.00001; gnomAD 0.00001.
gnomAD v4.1: 2 of 1,607,218 alleles (0.00012%); highest among the groups gnomAD compares: African/African-American, 0.0013%; no homozygotes.

Submission:

Labcorp Genetics (formerly Invitae), Labcorp
Classification: Uncertain significance. Last evaluated: 2024-10-29. Review status: criteria provided, single submitter. Criteria: Invitae Variant Classification Sherloc (09022015). Collection method: clinical testing. Allele origin: germline.
Comment: This sequence change replaces proline, which is neutral and non-polar, with serine, which is neutral and polar, at codon 457 of the GPAA1 protein (p.Pro457Ser). This variant is present in population databases (no rsID available, gnomAD 0.007%). This variant has not been reported in the literature in individuals affected with GPAA1-related conditions. ClinVar contains an entry for this variant (Variation ID: 1714538). Invitae Evidence Modeling of protein sequence and biophysical properties (such as structural, functional, and spatial information, amino acid conservation, physicochemical variation, residue mobility, and thermodynamic stability) indicates that this missense variant is not expected to disrupt GPAA1 protein function with a negative predictive value of 80%. In summary, the available evidence is currently insufficient to determine the role of this variant in disease. Therefore, it has been classified as a Variant of Uncertain Significance.